The following is an entry in ClinVar:

ClinVar aggregate classification (germline): Likely pathogenic (1 of 4 stars; one submission).

Submission:

GeneDx
Classification: Likely pathogenic. Last evaluated: 2024-06-12. Review status: criteria provided, single submitter. Criteria: GeneDx Variant Classification Process June 2021. Collection method: clinical testing. Allele origin: germline. Affected: yes.
Comment: Not observed at significant frequency in large population cohorts (gnomAD); In silico analysis supports that this missense variant has a deleterious effect on protein structure/function; Has not been previously published as pathogenic or benign to our knowledge

NM_015215.4(CAMTA1):c.448G>A (p.Gly150Ser)

Gene: CAMTA1 (calmodulin binding transcription activator 1; plus strand). Cytogenetic location: 1p36.23.
Variant type: single nucleotide variant.
Coding change: c.448G>A on transcript NM_015215.4 (MANE Select); coding-DNA position 448, G replaced by A.
Protein change: p.Gly150Ser; replaces glycine 150 with serine.
Molecular consequence: missense variant. On other transcripts: intron variant (1).
Genome position (GRCh38, 1-based): chr1:7,467,839, G>A. VCF-style: chr1-7467839-G-A. GRCh37 (hg19) VCF-style: chr1-7527899-G-A.
Other names: c.358G>A, p.Gly120Ser (NM_001349608.2, NM_001349612.2); c.448G>A, p.Gly150Ser (NM_001349609.2, NM_001349610.2, NM_001410737.1); c.439-172561G>A (NM_001410738.1); short protein forms G120S, G150S.
Identifiers: ClinVar variation 3390711 (VCV003390711.1).